The following is an entry in ClinVar:

ClinVar aggregate classification (germline): Uncertain significance (1 of 4 stars; one submission).

Conditions:
Hereditary cancer-predisposing syndrome. Also called: Neoplastic Syndromes, Hereditary; Hereditary Cancer Syndrome; Hereditary neoplastic syndrome; Tumor predisposition. Identifiers: Orphanet 140162, MedGen C0027672, MeSH D009386, MONDO:0015356.

Allele frequency attached by ClinVar (database versions not stated): gnomAD exomes below 0.00001.
gnomAD v4.1: 1 of 1,613,848 alleles (0.000062%); highest among the groups gnomAD compares: Non-Finnish European, 0.000085%; no homozygotes.

Submission:

Ambry Genetics
Classification: Uncertain significance for Hereditary cancer-predisposing syndrome. Last evaluated: 2023-04-22. Review status: criteria provided, single submitter. Criteria: Ambry Variant Classification Scheme 2023. Collection method: clinical testing. Allele origin: germline.
Comment: The p.E391G variant (also known as c.1172A>G), located in coding exon 14 of the CDC73 gene, results from an A to G substitution at nucleotide position 1172. The glutamic acid at codon 391 is replaced by glycine, an amino acid with similar properties. This amino acid position is conserved. In addition, the in silico prediction for this alteration is inconclusive. Since supporting evidence is limited at this time, the clinical significance of this alteration remains unclear.

NM_024529.5(CDC73):c.1172A>G (p.Glu391Gly)

Gene: CDC73 (cell division cycle 73; plus strand). Cytogenetic location: 1q31.2.
Variant type: single nucleotide variant.
Coding change: c.1172A>G on transcript NM_024529.5 (MANE Select); coding-DNA position 1172, A replaced by G.
Protein change: p.Glu391Gly; replaces glutamic acid 391 with glycine.
Molecular consequence: missense variant.
Genome position (GRCh38, 1-based): chr1:193,233,010, A>G. VCF-style: chr1-193233010-A-G. GRCh37 (hg19) VCF-style: chr1-193202140-A-G.
Other names: short protein forms E391G.
Identifiers: ClinVar variation 2565270 (VCV002565270.2), dbSNP rs2527493728, ClinGen allele CA344077745.
Genomic context (GRCh38, chr1:193,233,010, plus strand): 5'-ACGTGGAATACATTGACTTTTTCTCATCTCTGTTTTTTCAAAGATTTGTCCCATCAGATG[A>G]AAAGAAGAAACAAGGTTGTCAACGAGAAAATGAAACTCTAATACAAAGAAGAAAAGACCA-3'
Protein context (NP_078805.3, residues 381-401): LQDLKFVPSD[Glu391Gly]KKKQGCQREN